The following is an entry in ClinVar:

ClinVar aggregate classification (germline): Conflicting classifications of pathogenicity. Review status: criteria provided, conflicting classifications (1 of 4 stars). 9 submissions from 9 submitters: Uncertain significance (1); Benign (2); Likely benign (3). 3 of the submissions do not count toward it. Last evaluated 2026-09-01.

Conditions:
Inborn genetic diseases. Identifiers: MedGen C0950123, MeSH D030342.
CREBBP-related disorder. Also called: CREBBP-related disorders; CREBBP-related condition.
Rubinstein-Taybi syndrome (RSTS). Identifiers: Orphanet 783, MedGen C0035934, MONDO:0019188.

Allele frequency attached by ClinVar (database versions not stated): ExAC 0.00014; gnomAD exomes 0.00017; ESP Exome Variant Server 0.00023; gnomAD 0.00038 and 0.00040; TOPMed 0.00046; 1000 Genomes Project 0.00060; 1000 Genomes Project 30x 0.00078.
gnomAD v4.1: 196 of 1,613,644 alleles (0.012%); highest among the groups gnomAD compares: Admixed American, 0.1%; no homozygotes.

Submissions (9):

CeGaT Center for Human Genetics Tuebingen
Classification: Likely benign. Last evaluated: 2026-09-01. Review status: criteria provided, single submitter. Criteria: CeGaT Center For Human Genetics Tuebingen Variant Classification Criteria Version 2. Collection method: clinical testing. Allele origin: germline. Affected: yes. Observed: 2 variant alleles.
Comment: CREBBP: PP2, BS1

Labcorp Genetics (formerly Invitae), Labcorp
Classification: Likely benign for Rubinstein-Taybi syndrome. Last evaluated: 2025-12-25. Review status: criteria provided, single submitter. Criteria: Invitae Variant Classification Sherloc (09022015). Collection method: clinical testing. Allele origin: germline.

Blueprint Genetics
Classification: Likely benign. Last evaluated: 2024-10-14. Review status: criteria provided, single submitter. Criteria: ACMG Guidelines, 2015. Collection method: clinical testing. Allele origin: germline.

GeneDx
Classification: Benign. Last evaluated: 2020-02-13. Review status: criteria provided, single submitter. Criteria: GeneDx Variant Classification Process June 2021. Collection method: clinical testing. Allele origin: germline. Affected: yes.
Comment: This variant is associated with the following publications: (PMID: 20689175, 12070251, 17942008)

Ambry Genetics
Classification: Benign for Inborn genetic diseases. Last evaluated: 2019-09-10. Review status: criteria provided, single submitter. Criteria: Ambry Variant Classification Scheme 2023. Collection method: clinical testing. Allele origin: germline.

Eurofins Ntd Llc (ga)
Classification: Uncertain significance. Last evaluated: 2016-12-13. Review status: criteria provided, single submitter. Criteria: EGL Classification Definitions 2015. Collection method: clinical testing. Allele origin: germline. Observed: 1 variant allele, 1 heterozygote.

PreventionGenetics, part of Exact Sciences
Classification: Likely benign for CREBBP-related condition. Last evaluated: 2022-04-20. Review status: no assertion criteria provided. Collection method: clinical testing. Allele origin: germline. Not counted in ClinVar's aggregate classification.
Comment: This variant is classified as likely benign based on ACMG/AMP sequence variant interpretation guidelines (Richards et al. 2015 PMID: 25741868, with internal and published modifications).

Clinical Genetics DNA and cytogenetics Diagnostics Lab, Erasmus MC, Erasmus Medical Center
Classification: Likely benign. Review status: no assertion criteria provided. Collection method: clinical testing. Allele origin: germline. Affected: yes. Study: VKGL Data-share Consensus. Not counted in ClinVar's aggregate classification.

Diagnostic Laboratory, Department of Genetics, University Medical Center Groningen
Classification: Likely benign. Review status: no assertion criteria provided. Collection method: clinical testing. Allele origin: germline. Affected: yes. Study: VKGL Data-share Consensus. Not counted in ClinVar's aggregate classification.

NM_004380.3(CREBBP):c.6661A>C (p.Met2221Leu)

Gene: CREBBP (CREB binding lysine acetyltransferase; minus strand). Cytogenetic location: 16p13.3.
Variant type: single nucleotide variant.
Coding change: c.6661A>C on transcript NM_004380.3 (MANE Select); coding-DNA position 6661, A replaced by C.
Protein change: p.Met2221Leu; replaces methionine 2221 with leucine.
Molecular consequence: missense variant.
Genome position (GRCh38, 1-based): chr16:3,728,386, T>G on the plus strand (A>C on the coding strand, the complement: CREBBP is on the minus strand). VCF-style: chr16-3728386-T-G. GRCh37 (hg19) VCF-style: chr16-3778387-T-G.
Other names: c.6547A>C, p.Met2183Leu (NM_001079846.1); short protein forms M2221L, M2183L.
Identifiers: ClinVar variation 499235 (VCV000499235.47), dbSNP rs200716582, ClinGen allele CA7869032.